The following is an entry in ClinVar:

ClinVar aggregate classification (germline): Conflicting classifications of pathogenicity. Review status: criteria provided, conflicting classifications (1 of 4 stars). 3 submissions from 3 submitters: Uncertain significance (1); Benign (1); Likely benign (1). Last evaluated 2025-03-31.

Allele frequency attached by ClinVar (database versions not stated): gnomAD exomes 0.00001 and 0.00002; ExAC 0.00005; TOPMed 0.00005; gnomAD 0.00006; ESP Exome Variant Server 0.00016.

Submissions (3):

Labcorp Genetics (formerly Invitae), Labcorp
Classification: Benign. Last evaluated: 2025-03-31. Review status: criteria provided, single submitter. Criteria: Invitae Variant Classification Sherloc (09022015). Collection method: clinical testing. Allele origin: germline.

CeGaT Center for Human Genetics Tuebingen
Classification: Uncertain significance. Last evaluated: 2024-05-01. Review status: criteria provided, single submitter. Criteria: CeGaT Center For Human Genetics Tuebingen Variant Classification Criteria Version 2. Collection method: clinical testing. Allele origin: germline. Affected: yes. Observed: 2 variant alleles.
Comment: KMT2B: PP2

Blueprint Genetics
Classification: Likely benign. Last evaluated: 2023-07-18. Review status: criteria provided, single submitter. Criteria: ACMG Guidelines, 2015. Collection method: clinical testing. Allele origin: germline.

NM_014727.3(KMT2B):c.4825G>A (p.Val1609Ile)

Gene: KMT2B (lysine methyltransferase 2B; plus strand). Cytogenetic location: 19q13.12.
Variant type: single nucleotide variant.
Coding change: c.4825G>A on transcript NM_014727.3 (MANE Select); coding-DNA position 4825, G replaced by A.
Protein change: p.Val1609Ile; replaces valine 1609 with isoleucine.
Molecular consequence: missense variant.
Genome position (GRCh38, 1-based): chr19:35,729,204, G>A. VCF-style: chr19-35729204-G-A. GRCh37 (hg19) VCF-style: chr19-36220105-G-A.
Other names: short protein forms V1609I.
Identifiers: ClinVar variation 1348221 (VCV001348221.34), dbSNP rs368307141, ClinGen allele CA9385231.